The following is an entry in ClinVar:

ClinVar aggregate classification (germline): Uncertain significance (1 of 4 stars; one submission).

gnomAD v4.1: 6 of 1,613,792 alleles (0.00037%); highest among the groups gnomAD compares: Non-Finnish European, 0.00051%; no homozygotes.

Submission:

Labcorp Genetics (formerly Invitae), Labcorp
Classification: Uncertain significance. Last evaluated: 2025-10-18. Review status: criteria provided, single submitter. Criteria: Invitae Variant Classification Sherloc (09022015). Collection method: clinical testing. Allele origin: germline.
Comment: This sequence change replaces serine, which is neutral and polar, with arginine, which is basic and polar, at codon 292 of the ELOVL4 protein (p.Ser292Arg). This variant is not present in population databases (gnomAD no frequency). This variant has not been reported in the literature in individuals affected with ELOVL4-related conditions. An algorithm developed to predict the effect of missense changes on protein structure and function (PolyPhen-2) suggests that this variant is likely to be tolerated. In summary, the available evidence is currently insufficient to determine the role of this variant in disease. Therefore, it has been classified as a Variant of Uncertain Significance.

NM_022726.4(ELOVL4):c.876C>G (p.Ser292Arg)

Gene: ELOVL4 (ELOVL fatty acid elongase 4; minus strand). Cytogenetic location: 6q14.1.
Variant type: single nucleotide variant.
Coding change: c.876C>G on transcript NM_022726.4 (MANE Select); coding-DNA position 876, C replaced by G.
Protein change: p.Ser292Arg; replaces serine 292 with arginine.
Molecular consequence: missense variant.
Genome position (GRCh38, 1-based): chr6:79,916,677, G>C on the plus strand (C>G on the coding strand, the complement: ELOVL4 is on the minus strand). VCF-style: chr6-79916677-G-C. GRCh37 (hg19) VCF-style: chr6-80626394-G-C.
Other names: short protein forms S292R.
Identifiers: ClinVar variation 4775489 (VCV004775489.1).